The following is an entry in ClinVar:

NM_177965.4(CFAP418):c.120C>T (p.Ser40=)

Genes: CFAP418 (cilia and flagella associated protein 418; minus strand), CFAP418-AS1 (CFAP418 antisense RNA 1; plus strand), LOC130000784 (ATAC-STARR-seq lymphoblastoid active region 27655; plus strand). Cytogenetic location: 8q22.1.
Variant type: single nucleotide variant.
Coding change: c.120C>T on transcript NM_177965.4 (MANE Select); coding-DNA position 120, C replaced by T.
Protein change: p.Ser40=; no amino-acid change (serine 40 retained).
Molecular consequence: synonymous variant.
Genome position (GRCh38, 1-based): chr8:95,269,070, G>A on the plus strand (C>T on the coding strand, the complement: CFAP418 is on the minus strand). VCF-style: chr8-95269070-G-A. GRCh37 (hg19) VCF-style: chr8-96281298-G-A.
Other names: c.120C>T, p.Ser40= (NM_001363260.1).
Identifiers: ClinVar variation 3354263 (VCV003354263.1).

ClinVar aggregate classification (germline): Likely benign (0 of 4 stars; one submission).

Conditions:
CFAP418-related disorder. Also called: CFAP418-related condition.

Submission:

PreventionGenetics, part of Exact Sciences
Classification: Likely benign for CFAP418-related condition. Last evaluated: 2022-04-12. Review status: no assertion criteria provided. Collection method: clinical testing. Allele origin: germline.
Comment: This variant is classified as likely benign based on ACMG/AMP sequence variant interpretation guidelines (Richards et al. 2015 PMID: 25741868, with internal and published modifications).